The following is an entry in ClinVar:

NM_001378457.1(DMXL2):c.1308G>T (p.Glu436Asp)

Gene: DMXL2 (Dmx like 2; minus strand). Cytogenetic location: 15q21.2.
Variant type: single nucleotide variant.
Coding change: c.1308G>T on transcript NM_001378457.1 (MANE Select); coding-DNA position 1308, G replaced by T.
Protein change: p.Glu436Asp; replaces glutamic acid 436 with aspartic acid.
Molecular consequence: missense variant. On other transcripts: non-coding transcript variant (2), intron variant (1).
Genome position (GRCh38, 1-based): chr15:51,538,250, C>A on the plus strand (G>T on the coding strand, the complement: DMXL2 is on the minus strand). VCF-style: chr15-51538250-C-A. GRCh37 (hg19) VCF-style: chr15-51830447-C-A.
Other names: c.1308G>T, p.Glu436Asp (NM_001174116.3, NM_001174117.3, NM_001378458.1 and 6 more transcripts); c.1106-491G>T (NM_001378464.1); short protein forms E436D.
Identifiers: ClinVar variation 1995819 (VCV001995819.4), dbSNP rs1188831379, ClinGen allele CA392467928.

ClinVar aggregate classification (germline): Uncertain significance. Review status: criteria provided, multiple submitters, no conflicts (2 of 4 stars). 2 submissions from 2 submitters: Uncertain significance (2). Last evaluated 2022-05-17.

Conditions:
Inborn genetic diseases. Identifiers: MedGen C0950123, MeSH D030342.

Submissions (2):

Labcorp Genetics (formerly Invitae), Labcorp
Classification: Uncertain significance. Last evaluated: 2022-05-17. Review status: criteria provided, single submitter. Criteria: Invitae Variant Classification Sherloc (09022015). Collection method: clinical testing. Allele origin: germline.
Comment: In summary, the available evidence is currently insufficient to determine the role of this variant in disease. Therefore, it has been classified as a Variant of Uncertain Significance. Algorithms developed to predict the effect of missense changes on protein structure and function output the following: SIFT: "Tolerated"; PolyPhen-2: "Benign"; Align-GVGD: "Class C0". The aspartic acid amino acid residue is found in multiple mammalian species, which suggests that this missense change does not adversely affect protein function. This variant has not been reported in the literature in individuals affected with DMXL2-related conditions. This variant is not present in population databases (gnomAD no frequency). This sequence change replaces glutamic acid, which is acidic and polar, with aspartic acid, which is acidic and polar, at codon 436 of the DMXL2 protein (p.Glu436Asp).

Ambry Genetics
Classification: Uncertain significance for Inborn genetic diseases. Last evaluated: 2022-05-11. Review status: criteria provided, single submitter. Criteria: Ambry Variant Classification Scheme 2023. Collection method: clinical testing. Allele origin: germline.